The following is an entry in ClinVar:

ClinVar aggregate classification (germline): Uncertain significance (1 of 4 stars; one submission).

gnomAD v4.1: 5 of 1,610,112 alleles (0.00031%); highest among the groups gnomAD compares: Admixed American, 0.005%; no homozygotes.

Submission:

Women's Health and Genetics/Laboratory Corporation of America, LabCorp
Classification: Uncertain significance. Last evaluated: 2024-08-12. Review status: criteria provided, single submitter. Criteria: LabCorp Variant Classification Summary - May 2015. Collection method: clinical testing. Allele origin: germline.
Comment: Variant summary: SRRM2 c.1199C>T (p.Thr400Ile) results in a non-conservative amino acid change in the encoded protein sequence. Four of five in-silico tools predict a benign effect of the variant on protein function. The variant allele was found at a frequency of 2e-05 in 247398 control chromosomes. The available data on variant occurrences in the general population are insufficient to allow any conclusion about variant significance. To our knowledge, no occurrence of c.1199C>T in individuals affected with Intellectual Developmental Disorder, Autosomal Dominant 72 and no experimental evidence demonstrating its impact on protein function have been reported. No submitters have cited clinical-significance assessments for this variant to ClinVar. Based on the evidence outlined above, the variant was classified as uncertain significance.

NM_016333.4(SRRM2):c.1199C>T (p.Thr400Ile)

Gene: SRRM2 (serine/arginine repetitive matrix 2; plus strand). Cytogenetic location: 16p13.3.
Variant type: single nucleotide variant.
Coding change: c.1199C>T on transcript NM_016333.4 (MANE Select); coding-DNA position 1199, C replaced by T.
Protein change: p.Thr400Ile; replaces threonine 400 with isoleucine.
Molecular consequence: missense variant.
Genome position (GRCh38, 1-based): chr16:2,761,727, C>T. VCF-style: chr16-2761727-C-T. GRCh37 (hg19) VCF-style: chr16-2811728-C-T.
Other names: short protein forms T400I.
Identifiers: ClinVar variation 3366839 (VCV003366839.1).